The following is an entry in ClinVar:

NM_020778.5(ALPK3):c.233T>C (p.Leu78Pro)

Gene: ALPK3 (alpha kinase 3; plus strand). Cytogenetic location: 15q25.3.
Variant type: single nucleotide variant.
Coding change: c.233T>C on transcript NM_020778.5 (MANE Select); coding-DNA position 233, T replaced by C.
Protein change: p.Leu78Pro; replaces leucine 78 with proline.
Molecular consequence: missense variant.
Genome position (GRCh38, 1-based): chr15:84,827,534, T>C. VCF-style: chr15-84827534-T-C. GRCh37 (hg19) VCF-style: chr15-85370765-T-C.
Other names: short protein forms L78P.
Identifiers: ClinVar variation 2827541 (VCV002827541.3), dbSNP rs376043148, ClinGen allele CA273657912.

ClinVar aggregate classification (germline): Uncertain significance (1 of 4 stars; one submission).

gnomAD v4.1: 2 of 1,614,102 alleles (0.00012%); highest among the groups gnomAD compares: Non-Finnish European, 0.00017%; no homozygotes.

Submission:

Labcorp Genetics (formerly Invitae), Labcorp
Classification: Uncertain significance. Last evaluated: 2025-02-18. Review status: criteria provided, single submitter. Criteria: Invitae Variant Classification Sherloc (09022015). Collection method: clinical testing. Allele origin: germline.
Comment: This sequence change replaces leucine, which is neutral and non-polar, with proline, which is neutral and non-polar, at codon 280 of the ALPK3 protein (p.Leu280Pro). This variant is not present in population databases (gnomAD no frequency). This variant has not been reported in the literature in individuals affected with ALPK3-related conditions. ClinVar contains an entry for this variant (Variation ID: 2827541). An algorithm developed to predict the effect of missense changes on protein structure and function (PolyPhen-2) suggests that this variant is likely to be disruptive. In summary, the available evidence is currently insufficient to determine the role of this variant in disease. Therefore, it has been classified as a Variant of Uncertain Significance.